The following is an entry in ClinVar:

NM_001018115.3(FANCD2):c.3692T>C (p.Phe1231Ser)

Genes: FANCD2 (FA complementation group D2; plus strand), FANCD2OS (FANCD2 opposite strand; minus strand). Cytogenetic location: 3p25.3.
Variant type: single nucleotide variant.
Coding change: c.3692T>C on transcript NM_001018115.3 (MANE Select); coding-DNA position 3692, T replaced by C.
Protein change: p.Phe1231Ser; replaces phenylalanine 1231 with serine.
Molecular consequence: missense variant. On other transcripts: intron variant (1).
Genome position (GRCh38, 1-based): chr3:10,090,300, T>C. VCF-style: chr3-10090300-T-C. GRCh37 (hg19) VCF-style: chr3-10131984-T-C.
Other names: c.3692T>C, p.Phe1231Ser (NM_001319984.2, NM_001374254.1, NM_033084.6); c.3581T>C, p.Phe1194Ser (NM_001374253.1); c.*44-8769A>G (NM_173472.2); short protein forms F1231S, F1194S.
Identifiers: ClinVar variation 526403 (VCV000526403.7), dbSNP rs762915519, ClinGen allele CA2250488.

ClinVar aggregate classification (germline): Uncertain significance (1 of 4 stars; one submission).

Conditions:
Fanconi anemia (FA). Also called: Fanconi's anemia. Identifiers: Orphanet 84, MedGen C0015625, MeSH D005199, MONDO:0019391.

Allele frequency attached by ClinVar (database versions not stated): gnomAD exomes 0.00002; ExAC 0.00002.
gnomAD v4.1: 7 of 1,613,362 alleles (0.00043%); highest among the groups gnomAD compares: East Asian, 0.011%; no homozygotes.

Submission:

Labcorp Genetics (formerly Invitae), Labcorp
Classification: Uncertain significance for Fanconi anemia. Last evaluated: 2021-08-31. Review status: criteria provided, single submitter. Criteria: Invitae Variant Classification Sherloc (09022015). Collection method: clinical testing. Allele origin: germline.
Comment: This sequence change replaces phenylalanine with serine at codon 1231 of the FANCD2 protein (p.Phe1231Ser). The phenylalanine residue is highly conserved and there is a large physicochemical difference between phenylalanine and serine. This variant is present in population databases (rs762915519, ExAC 0.01%). This variant has not been reported in the literature in individuals affected with FANCD2-related conditions. Algorithms developed to predict the effect of missense changes on protein structure and function are either unavailable or do not agree on the potential impact of this missense change (SIFT: "Deleterious"; PolyPhen-2: "Probably Damaging"; Align-GVGD: "Class C0"). In summary, the available evidence is currently insufficient to determine the role of this variant in disease. Therefore, it has been classified as a Variant of Uncertain Significance.